The following is an entry in ClinVar:

NM_002496.4(NDUFS8):c.85A>G (p.Ser29Gly)

Gene: NDUFS8 (NADH:ubiquinone oxidoreductase core subunit S8; plus strand). Cytogenetic location: 11q13.2.
Variant type: single nucleotide variant.
Coding change: c.85A>G on transcript NM_002496.4 (MANE Select); coding-DNA position 85, A replaced by G.
Protein change: p.Ser29Gly; replaces serine 29 with glycine.
Molecular consequence: missense variant.
Genome position (GRCh38, 1-based): chr11:68,032,312, A>G. VCF-style: chr11-68032312-A-G. GRCh37 (hg19) VCF-style: chr11-67799779-A-G.
Other names: short protein forms S29G.
Identifiers: ClinVar variation 1411387 (VCV001411387.4), dbSNP rs748087950, ClinGen allele CA6146353.
Genomic context (GRCh38, chr11:68,032,312, plus strand): 5'-CTCCTGGTATGACGTCACGCCCTTCTTTTTGCAGGACCTCCTGGTGGCCGGAGCCTCCAC[A>G]GCAGTGCAGTGGCAGCCACCTACAGTGAGTACCTGGGTGGCCTCTAGCCTCAGGTGTTCC-3'
Protein context (NP_002487.1, residues 19-39): AGPPGGRSLH[Ser29Gly]SAVAATYKYV

ClinVar aggregate classification (germline): Uncertain significance (1 of 4 stars; one submission).

Allele frequency attached by ClinVar (database versions not stated): gnomAD exomes below 0.00001 and 0.00001; TOPMed below 0.00001; ExAC 0.00001; gnomAD 0.00002.

Submission:

Labcorp Genetics (formerly Invitae), Labcorp
Classification: Uncertain significance. Last evaluated: 2025-01-27. Review status: criteria provided, single submitter. Criteria: Invitae Variant Classification Sherloc (09022015). Collection method: clinical testing. Allele origin: germline.
Comment: This sequence change replaces serine, which is neutral and polar, with glycine, which is neutral and non-polar, at codon 29 of the NDUFS8 protein (p.Ser29Gly). This variant is present in population databases (rs748087950, gnomAD 0.009%). This variant has not been reported in the literature in individuals affected with NDUFS8-related conditions. ClinVar contains an entry for this variant (Variation ID: 1411387). An algorithm developed to predict the effect of missense changes on protein structure and function outputs the following: PolyPhen-2: "Benign". The glycine amino acid residue is found in multiple mammalian species, which suggests that this missense change does not adversely affect protein function. In summary, the available evidence is currently insufficient to determine the role of this variant in disease. Therefore, it has been classified as a Variant of Uncertain Significance.